The following is an entry in ClinVar:

ClinVar aggregate classification (germline): Uncertain significance. Review status: criteria provided, multiple submitters, no conflicts (2 of 4 stars). 5 submissions from 5 submitters: Uncertain significance (5). Last evaluated 2025-09-14.

Conditions:
Classic or attenuated familial adenomatous polyposis. Identifiers: MedGen CN372698, MONDO:0021057.
Hereditary cancer-predisposing syndrome. Also called: Tumor predisposition; Neoplastic Syndromes, Hereditary; Hereditary Cancer Syndrome; Hereditary neoplastic syndrome. Identifiers: Orphanet 140162, MedGen C0027672, MeSH D009386, MONDO:0015356.
Familial adenomatous polyposis 1 (FAP1). Also called: POLYPOSIS, ADENOMATOUS INTESTINAL; FAMILIAL ADENOMATOUS POLYPOSIS 1, ATTENUATED. Identifiers: MedGen C2713442, MONDO:0021056, OMIM 175100. Disease mechanism: loss of function.

Allele frequency attached by ClinVar (database versions not stated): ExAC 0.00001; TOPMed 0.00001.

Submissions (5):

Ambry Genetics
Classification: Uncertain significance for Hereditary cancer-predisposing syndrome. Last evaluated: 2025-09-14. Review status: criteria provided, single submitter. Criteria: Ambry Variant Classification Scheme 2023. Collection method: clinical testing. Allele origin: germline.
Comment: The p.D147G variant (also known as c.440A>G), located in coding exon 4 of the APC gene, results from an A to G substitution at nucleotide position 440. The aspartic acid at codon 147 is replaced by glycine, an amino acid with similar properties. This amino acid position is not well conserved in available vertebrate species. In addition, in silico predictors for this gene do not accurately predict pathogenicity. Since supporting evidence is limited at this time, the clinical significance of this alteration remains unclear.

Labcorp Genetics (formerly Invitae), Labcorp
Classification: Uncertain significance for Familial adenomatous polyposis 1. Last evaluated: 2025-07-15. Review status: criteria provided, single submitter. Criteria: Invitae Variant Classification Sherloc (09022015). Collection method: clinical testing. Allele origin: germline.
Comment: This sequence change replaces aspartic acid, which is acidic and polar, with glycine, which is neutral and non-polar, at codon 147 of the APC protein (p.Asp147Gly). This variant is present in population databases (rs769039873, gnomAD 0.0009%). This variant has not been reported in the literature in individuals affected with APC-related conditions. ClinVar contains an entry for this variant (Variation ID: 246003). Invitae Evidence Modeling of protein sequence and biophysical properties (such as structural, functional, and spatial information, amino acid conservation, physicochemical variation, residue mobility, and thermodynamic stability) indicates that this missense variant is not expected to disrupt APC protein function with a negative predictive value of 95%. In summary, the available evidence is currently insufficient to determine the role of this variant in disease. Therefore, it has been classified as a Variant of Uncertain Significance.

All of Us Research Program, National Institutes of Health
Classification: Uncertain significance for Classic or attenuated familial adenomatous polyposis. Last evaluated: 2024-07-10. Review status: criteria provided, single submitter. Criteria: ACMG Guidelines, 2015. Collection method: clinical testing. Allele origin: germline. Inheritance: Autosomal dominant inheritance. Observed: 1 variant allele, 1 heterozygote.
Comment: This missense variant replaces aspartic acid with glycine at codon 147 of the APC protein. Computational prediction suggests that this variant may not impact protein structure and function (internally defined REVEL score threshold <= 0.5, PMID: 27666373). To our knowledge, functional studies have not been reported for this variant. This variant has not been reported in individuals affected with APC-related disorders in the literature. This variant has not been identified in the general population by the Genome Aggregation Database (gnomAD). The available evidence is insufficient to determine the role of this variant in disease conclusively. Therefore, this variant is classified as a Variant of Uncertain Significance.

This study involves interpretation of variants in research participants for the purpose of population health screening. Participant phenotype was not available at the time of variant classification. Additional details can be found in publication PMID: 35346344, PMCID: PMC8962531

Color Diagnostics, LLC DBA Color Health
Classification: Uncertain significance for Hereditary cancer-predisposing syndrome. Last evaluated: 2024-06-20. Review status: criteria provided, single submitter. Criteria: ACMG Guidelines, 2015. Collection method: clinical testing. Allele origin: germline.
Comment: This missense variant replaces aspartic acid with glycine at codon 147 of the APC protein. Computational prediction suggests that this variant may not impact protein structure and function (internally defined REVEL score threshold <= 0.5, PMID: 27666373). To our knowledge, functional studies have not been reported for this variant. This variant has not been reported in individuals affected with APC-related disorders in the literature. This variant has not been identified in the general population by the Genome Aggregation Database (gnomAD). The available evidence is insufficient to determine the role of this variant in disease conclusively. Therefore, this variant is classified as a Variant of Uncertain Significance.

GeneDx
Classification: Uncertain significance. Last evaluated: 2023-08-01. Review status: criteria provided, single submitter. Criteria: GeneDx Variant Classification Process June 2021. Collection method: clinical testing. Allele origin: germline. Affected: yes.
Comment: Not observed at significant frequency in large population cohorts (gnomAD); In silico analysis supports that this missense variant has a deleterious effect on protein structure/function; Has not been previously published as pathogenic or benign to our knowledge

NM_000038.6(APC):c.440A>G (p.Asp147Gly)

Gene: APC (APC regulator of Wnt signaling pathway; plus strand). Cytogenetic location: 5q22.2.
Variant type: single nucleotide variant.
Coding change: c.440A>G on transcript NM_000038.6 (MANE Select); coding-DNA position 440, A replaced by G.
Protein change: p.Asp147Gly; replaces aspartic acid 147 with glycine.
Molecular consequence: missense variant. On other transcripts: 5 prime UTR variant (1).
Genome position (GRCh38, 1-based): chr5:112,775,646, A>G. VCF-style: chr5-112775646-A-G. GRCh37 (hg19) VCF-style: chr5-112111343-A-G.
Other names: c.440A>G, p.Asp147Gly (NM_001127510.3, NM_001354895.2, NM_001354896.2 and 2 more transcripts); c.470A>G, p.Asp157Gly (NM_001127511.3, NM_001354897.2, NM_001354902.2); c.365A>G, p.Asp122Gly (NM_001354898.2, NM_001354904.2); c.263A>G, p.Asp88Gly (NM_001354900.2, NM_001354901.2, NM_001354905.2); c.-596A>G (NM_001354906.2); short protein forms D147G, D157G, D88G, D122G.
Identifiers: ClinVar variation 246003 (VCV000246003.24), dbSNP rs769039873, ClinGen allele CA038999.